The following is an entry in ClinVar:

ClinVar aggregate classification (germline): Benign (0 of 4 stars; one submission).

Conditions:
FAT3-related disorder. Also called: FAT3-related condition.

Allele frequency attached by ClinVar (database versions not stated): gnomAD exomes 0.00044; ExAC 0.00143; ESP Exome Variant Server 0.00460; 1000 Genomes Project 0.00479; gnomAD 0.00504; 1000 Genomes Project 30x 0.00515; TOPMed 0.00529.
gnomAD v4.1: 1,435 of 1,613,640 alleles (0.089%); highest among the groups gnomAD compares: African/African-American, 1.6%; 15 homozygotes.

Submission:

PreventionGenetics, part of Exact Sciences
Classification: Benign for FAT3-related condition. Last evaluated: 2019-06-26. Review status: no assertion criteria provided. Collection method: clinical testing. Allele origin: germline.
Comment: This variant is classified as benign based on ACMG/AMP sequence variant interpretation guidelines (Richards et al. 2015 PMID: 25741868, with internal and published modifications).

NM_001367949.2(FAT3):c.13755T>C (p.His4585=)

Gene: FAT3 (FAT atypical cadherin 3; plus strand). Cytogenetic location: 11q14.3.
Variant type: single nucleotide variant.
Coding change: c.13755T>C on transcript NM_001367949.2 (MANE Select); coding-DNA position 13755, T replaced by C.
Protein change: p.His4585=; no amino-acid change (histidine 4585 retained).
Molecular consequence: synonymous variant.
Genome position (GRCh38, 1-based): chr11:92,891,098, T>C. VCF-style: chr11-92891098-T-C. GRCh37 (hg19) VCF-style: chr11-92624264-T-C.
Other names: c.13659T>C, p.His4553= (NM_001008781.3).
Identifiers: ClinVar variation 3037534 (VCV003037534.2), dbSNP rs142896945, ClinGen allele CA6228859.